The following is an entry in ClinVar:

NM_000057.4(BLM):c.4036A>G (p.Lys1346Glu)

Gene: BLM (BLM RecQ like helicase; plus strand). Cytogenetic location: 15q26.1.
Variant type: single nucleotide variant.
Coding change: c.4036A>G on transcript NM_000057.4 (MANE Select); coding-DNA position 4036, A replaced by G.
Protein change: p.Lys1346Glu; replaces lysine 1346 with glutamic acid.
Molecular consequence: missense variant.
Genome position (GRCh38, 1-based): chr15:90,811,366, A>G. VCF-style: chr15-90811366-A-G. GRCh37 (hg19) VCF-style: chr15-91354596-A-G.
Other names: c.4036A>G, p.Lys1346Glu (NM_001287246.2); c.3643A>G, p.Lys1215Glu (NM_001287247.2); c.2911A>G, p.Lys971Glu (NM_001287248.2); short protein forms K1346E, K971E, K1215E.
Identifiers: ClinVar variation 3824448 (VCV003824448.1).
Genomic context (GRCh38, chr15:90,811,366, plus strand): 5'-TTTGCAAGTAAAACCAGAAATGAAAGGAAGAGGAAAAAGATGCCAGCCTCCCAAAGGTCT[A>G]AGAGGAGAAAAACTGCTTCCAGTGGTTCCAAGGCAAAGGGGTATGTTTTGTGACATCTTT-3'
Protein context (NP_000048.1, residues 1336-1356): RKKMPASQRS[Lys1346Glu]RRKTASSGSK

ClinVar aggregate classification (germline): Uncertain significance (1 of 4 stars; one submission).

Conditions:
Hereditary cancer-predisposing syndrome. Also called: Hereditary neoplastic syndrome; Neoplastic Syndromes, Hereditary; Tumor predisposition; Hereditary Cancer Syndrome. Identifiers: Orphanet 140162, MedGen C0027672, MeSH D009386, MONDO:0015356.

Submission:

Ambry Genetics
Classification: Uncertain significance for Hereditary cancer-predisposing syndrome. Last evaluated: 2025-01-06. Review status: criteria provided, single submitter. Criteria: Ambry Variant Classification Scheme 2023. Collection method: clinical testing. Allele origin: germline.
Comment: The p.K1346E variant (also known as c.4036A>G), located in coding exon 20 of the BLM gene, results from an A to G substitution at nucleotide position 4036. The lysine at codon 1346 is replaced by glutamic acid, an amino acid with similar properties. This amino acid position is conserved. In addition, the in silico prediction for this alteration is inconclusive. Based on the available evidence, the clinical significance of this variant remains unclear.